The following is an entry in ClinVar:

NM_000397.4(CYBB):c.695C>G (p.Thr232Ser)

Gene: CYBB (cytochrome b-245 beta chain; plus strand). Cytogenetic location: Xp21.1.
Variant type: single nucleotide variant.
Coding change: c.695C>G on transcript NM_000397.4 (MANE Select); coding-DNA position 695, C replaced by G.
Protein change: p.Thr232Ser; replaces threonine 232 with serine.
Molecular consequence: missense variant.
Genome position (GRCh38, 1-based): chrX:37,798,975, C>G. VCF-style: chrX-37798975-C-G. GRCh37 (hg19) VCF-style: chrX-37658228-C-G.
Other names: short protein forms T232S.
Identifiers: ClinVar variation 4690200 (VCV004690200.1).

ClinVar aggregate classification (germline): Uncertain significance (1 of 4 stars; one submission).

Submission:

GeneDx
Classification: Uncertain significance. Last evaluated: 2025-07-31. Review status: criteria provided, single submitter. Criteria: GeneDx Variant Classification Process June 2021. Collection method: clinical testing. Allele origin: germline. Affected: yes.
Comment: Not observed at significant frequency in large population cohorts (gnomAD); In silico analysis supports that this missense variant has a deleterious effect on protein structure/function; Has not been previously published as pathogenic or benign to our knowledge